The following is an entry in ClinVar:

ClinVar aggregate classification (germline): Uncertain significance. Review status: criteria provided, multiple submitters, no conflicts (2 of 4 stars). 3 submissions from 3 submitters: Uncertain significance (3). Last evaluated 2025-08-10.

Conditions:
Primary dilated cardiomyopathy (DCM). Also called: Dilated Cardiomyopathy. Identifiers: Orphanet 217604, MedGen C0007193, MeSH D002311, MONDO:0005021, HP:0001644. Inheritance: Various modes of inheritance.
Hypertrophic cardiomyopathy. Also called: HYPERTROPHIC MYOCARDIOPATHY. Identifiers: Orphanet 217569, MedGen C0007194, MeSH D002312, MONDO:0005045, HP:0001639.

Allele frequency attached by ClinVar (database versions not stated): TOPMed below 0.00001; gnomAD 0.00001; gnomAD exomes 0.00001.
gnomAD v4.1: 18 of 1,613,914 alleles (0.0011%); highest among the groups gnomAD compares: Non-Finnish European, 0.0015%; no homozygotes.

Submissions (3):

Labcorp Genetics (formerly Invitae), Labcorp
Classification: Uncertain significance for Hypertrophic cardiomyopathy; Primary dilated cardiomyopathy. Last evaluated: 2025-08-10. Review status: criteria provided, single submitter. Criteria: Invitae Variant Classification Sherloc (09022015). Collection method: clinical testing. Allele origin: germline.
Comment: This sequence change replaces aspartic acid, which is acidic and polar, with glutamic acid, which is acidic and polar, at codon 81 of the PDLIM3 protein (p.Asp81Glu). This variant is present in population databases (no rsID available, gnomAD 0.002%). This variant has not been reported in the literature in individuals affected with PDLIM3-related conditions. ClinVar contains an entry for this variant (Variation ID: 1791288). An algorithm developed to predict the effect of missense changes on protein structure and function (PolyPhen-2) suggests that this variant is likely to be tolerated. Algorithms developed to predict the effect of sequence changes on RNA splicing suggest that this variant may disrupt the consensus splice site. In summary, the available evidence is currently insufficient to determine the role of this variant in disease. Therefore, it has been classified as a Variant of Uncertain Significance.

Ambry Genetics
Classification: Uncertain significance. Last evaluated: 2024-10-07. Review status: criteria provided, single submitter. Criteria: Ambry Variant Classification Scheme 2023. Collection method: clinical testing. Allele origin: germline.
Comment: The p.D81E variant (also known as c.243C>G), located in coding exon 2 of the PDLIM3 gene, results from a C to G substitution at nucleotide position 243. The aspartic acid at codon 81 is replaced by glutamic acid, an amino acid with highly similar properties. This amino acid position is conserved. In addition, this alteration is predicted to be tolerated by in silico analysis. Since supporting evidence is limited at this time, the clinical significance of this alteration remains unclear.

Revvity Omics, Revvity
Classification: Uncertain significance. Last evaluated: 2023-05-30. Review status: criteria provided, single submitter. Criteria: ACMG Guidelines, 2015. Collection method: clinical testing. Allele origin: germline.

NM_014476.6(PDLIM3):c.243C>G (p.Asp81Glu)

Gene: PDLIM3 (PDZ and LIM domain 3; minus strand). Cytogenetic location: 4q35.1.
Variant type: single nucleotide variant.
Coding change: c.243C>G on transcript NM_014476.6 (MANE Select); coding-DNA position 243, C replaced by G.
Protein change: p.Asp81Glu; replaces aspartic acid 81 with glutamic acid.
Molecular consequence: missense variant. On other transcripts: non-coding transcript variant (1), intron variant (1).
Genome position (GRCh38, 1-based): chr4:185,525,022, G>C on the plus strand (C>G on the coding strand, the complement: PDLIM3 is on the minus strand). VCF-style: chr4-185525022-G-C. GRCh37 (hg19) VCF-style: chr4-186446176-G-C.
Other names: c.243C>G, p.Asp81Glu (NM_001114107.5, NM_001257962.2); c.93+10320C>G (NM_001257963.2); c.243C>G (NM_014476.5); short protein forms D81E.
Identifiers: ClinVar variation 1791288 (VCV001791288.7), dbSNP rs1191199211, ClinGen allele CA358928425.